The following is an entry in ClinVar:

NM_000059.4(BRCA2):c.6757C>G (p.Leu2253Val)

Gene: BRCA2 (BRCA2 DNA repair associated; plus strand). Cytogenetic location: 13q13.1.
Variant type: single nucleotide variant.
Coding change: c.6757C>G on transcript NM_000059.4 (MANE Select); coding-DNA position 6757, C replaced by G.
Protein change: p.Leu2253Val; replaces leucine 2253 with valine.
Molecular consequence: missense variant.
Genome position (GRCh38, 1-based): chr13:32,341,112, C>G. VCF-style: chr13-32341112-C-G. GRCh37 (hg19) VCF-style: chr13-32915249-C-G.
Other names: short protein forms L2253V.
Identifiers: ClinVar variation 522203 (VCV000522203.9), dbSNP rs1555284846, ClinGen allele CA387791166.

ClinVar aggregate classification (germline): Conflicting classifications of pathogenicity. Review status: criteria provided, conflicting classifications (1 of 4 stars). 5 submissions from 5 submitters: Uncertain significance (1); Likely benign (3). 1 of the submissions does not count toward it. Last evaluated 2024-12-13.

Conditions:
Hereditary cancer-predisposing syndrome. Also called: Neoplastic Syndromes, Hereditary; Tumor predisposition; Hereditary Cancer Syndrome; Hereditary neoplastic syndrome. Identifiers: Orphanet 140162, MedGen C0027672, MeSH D009386, MONDO:0015356.
Breast-ovarian cancer, familial, susceptibility to, 2 (BROVCA2). Also called: BRCA2 Hereditary Breast and Ovarian Cancer. Identifiers: Orphanet 145, MedGen C2675520, MONDO:0012933, OMIM 612555. Disease mechanism: loss of function.

Allele frequency attached by ClinVar (database versions not stated): gnomAD exomes below 0.00001.
gnomAD v4.1: 2 of 1,613,918 alleles (0.00012%); highest among the groups gnomAD compares: South Asian, 0.0011%; no homozygotes.

Submissions (5):

Ambry Genetics
Classification: Uncertain significance for Hereditary cancer-predisposing syndrome. Last evaluated: 2024-12-13. Review status: criteria provided, single submitter. Criteria: Ambry Variant Classification Scheme 2023. Collection method: clinical testing. Allele origin: germline.
Comment: The p.L2253V variant (also known as c.6757C>G), located in coding exon 10 of the BRCA2 gene, results from a C to G substitution at nucleotide position 6757. The leucine at codon 2253 is replaced by valine, an amino acid with highly similar properties. This amino acid position is not well conserved in available vertebrate species. In addition, this alteration is predicted to be tolerated by in silico analysis. Based on the available evidence, the clinical significance of this variant remains unclear.

University of Washington Department of Laboratory Medicine, University of Washington
Classification: Likely benign for Hereditary cancer-predisposing syndrome. Last evaluated: 2023-03-23. Review status: criteria provided, single submitter. Criteria: Dines et al. (Genet Med. 2020). Collection method: curation. Allele origin: germline.
Comment: Missense variant in a coldspot region where missense variants are very unlikely to be pathogenic (PMID:31911673).

BRCA2 exon 11 coldspot. Reclassification based on statistical prior probability.

Genome Diagnostics Laboratory, University Medical Center Utrecht
Classification: Likely benign for Breast-ovarian cancer, familial, susceptibility to, 2. Last evaluated: 2017-07-28. Review status: criteria provided, single submitter. Criteria: ACGS Guidelines, 2013. Collection method: clinical testing. Allele origin: germline. Affected: yes. Study: VKGL Data-share Consensus.

Clinical Genetics DNA and cytogenetics Diagnostics Lab, Erasmus MC, Erasmus Medical Center
Classification: Likely benign for Breast-ovarian cancer, familial, susceptibility to, 2. Last evaluated: 2015-09-21. Review status: criteria provided, single submitter. Criteria: ACGS Guidelines, 2013. Collection method: clinical testing. Allele origin: germline. Affected: yes. Study: VKGL Data-share Consensus.

Diagnostic Laboratory, Department of Genetics, University Medical Center Groningen
Classification: Likely benign. Review status: no assertion criteria provided. Collection method: clinical testing. Allele origin: germline. Affected: yes. Study: VKGL Data-share Consensus. Not counted in ClinVar's aggregate classification.

Literature cited by the submitters: PubMed 30287823 (cited by Ambry Genetics).